The following is an entry in ClinVar:

ClinVar aggregate classification (germline): Likely benign (1 of 4 stars; one submission).

Conditions:
SEMA3A-related disorder. Also called: SEMA3A-related condition.

Submission:

PreventionGenetics, part of Exact Sciences
Classification: Likely benign for SEMA3A-related condition. Last evaluated: 2024-12-04. Review status: criteria provided, single submitter. Criteria: ACMG Guidelines, 2015. Collection method: clinical testing. Allele origin: germline.
Comment: This variant is classified as likely benign based on ACMG/AMP sequence variant interpretation guidelines (Richards et al. 2015 PMID: 25741868, with internal and published modifications).

NM_006080.3(SEMA3A):c.534A>T (p.Ala178=)

Gene: SEMA3A (semaphorin 3A; minus strand). Cytogenetic location: 7q21.11.
Variant type: single nucleotide variant.
Coding change: c.534A>T on transcript NM_006080.3 (MANE Select); coding-DNA position 534, A replaced by T.
Protein change: p.Ala178=; no amino-acid change (alanine 178 retained).
Molecular consequence: synonymous variant.
Genome position (GRCh38, 1-based): chr7:84,060,478, T>A on the plus strand (A>T on the coding strand, the complement: SEMA3A is on the minus strand). VCF-style: chr7-84060478-T-A. GRCh37 (hg19) VCF-style: chr7-83689794-T-A.
Identifiers: ClinVar variation 4983903 (VCV004983903.1).